The following is an entry in ClinVar:

NM_198525.3(KIF7):c.2394+10G>A

Gene: KIF7 (kinesin family member 7; minus strand). Cytogenetic location: 15q26.1.
Variant type: single nucleotide variant.
Coding change: c.2394+10G>A on transcript NM_198525.3 (MANE Select); 10 bases into the intron after coding-DNA position 2394, G replaced by A.
Molecular consequence: intron variant.
Genome position (GRCh38, 1-based): chr15:89,642,193, C>T on the plus strand (G>A on the coding strand, the complement: KIF7 is on the minus strand). VCF-style: chr15-89642193-C-T. GRCh37 (hg19) VCF-style: chr15-90185424-C-T.
Identifiers: ClinVar variation 724270 (VCV000724270.11), dbSNP rs373852548, ClinGen allele CA7728202.

ClinVar aggregate classification (germline): Likely benign. Review status: criteria provided, multiple submitters, no conflicts (2 of 4 stars). 3 submissions from 3 submitters: Likely benign (2). 1 of the submissions does not count toward it. Last evaluated 2025-11-01.

Conditions:
KIF7-related disorder. Also called: KIF7-related condition.
Acrocallosal syndrome (ACLS). Also called: Schinzel syndrome 1; Absence of corpus callosum with unusual facial appearance, mental deficiency, duplication of the halluces and polydactyly; HALLUX DUPLICATION, POSTAXIAL POLYDACTYLY, AND ABSENCE OF CORPUS CALLOSUM. Identifiers: Orphanet 36, MedGen C0796147, MONDO:0008708, OMIM 200990.

Allele frequency attached by ClinVar (database versions not stated): gnomAD 0.00003; TOPMed 0.00003; ESP Exome Variant Server 0.00008.
gnomAD v4.1: 44 of 1,608,894 alleles (0.0027%); highest among the groups gnomAD compares: South Asian, 0.0033%; no homozygotes.

Submissions (3):

Labcorp Genetics (formerly Invitae), Labcorp
Classification: Likely benign for Acrocallosal syndrome. Last evaluated: 2025-11-01. Review status: criteria provided, single submitter. Criteria: Invitae Variant Classification Sherloc (09022015). Collection method: clinical testing. Allele origin: germline.

Blueprint Genetics
Classification: Likely benign. Last evaluated: 2020-09-24. Review status: criteria provided, single submitter. Criteria: ACMG Guidelines, 2015. Collection method: clinical testing. Allele origin: germline.

PreventionGenetics, part of Exact Sciences
Classification: Likely benign for KIF7-related condition. Last evaluated: 2023-04-30. Review status: no assertion criteria provided. Collection method: clinical testing. Allele origin: germline. Not counted in ClinVar's aggregate classification.
Comment: This variant is classified as likely benign based on ACMG/AMP sequence variant interpretation guidelines (Richards et al. 2015 PMID: 25741868, with internal and published modifications).